The following is an entry in ClinVar:

NM_004991.4(MECOM):c.1204A>G (p.Arg402Gly)

Gene: MECOM (MDS1 and EVI1 complex locus; minus strand). Cytogenetic location: 3q26.2.
Variant type: single nucleotide variant.
Coding change: c.1204A>G on transcript NM_004991.4 (MANE Select); coding-DNA position 1204, A replaced by G.
Protein change: p.Arg402Gly; replaces arginine 402 with glycine.
Molecular consequence: missense variant. On other transcripts: intron variant (2).
Genome position (GRCh38, 1-based): chr3:169,116,668, T>C on the plus strand (A>G on the coding strand, the complement: MECOM is on the minus strand). VCF-style: chr3-169116668-T-C. GRCh37 (hg19) VCF-style: chr3-168834456-T-C.
Other names: c.835A>G, p.Arg279Gly (NM_001105077.4); c.640A>G, p.Arg214Gly (NM_001105078.4, NM_001164000.2, NM_001205194.2 and 4 more transcripts); c.643A>G, p.Arg215Gly (NM_001163999.2, NM_001366467.2, NM_001366468.2 and 1 more transcripts); c.1204A>G, p.Arg402Gly (NM_001366466.2); c.1133-901A>G (NM_001366473.2); c.569-901A>G (NM_001366474.2); short protein forms R279G, R402G, R215G, R214G.
Identifiers: ClinVar variation 3394288 (VCV003394288.1).
Genomic context (GRCh38, chr3:169,116,668, plus strand): 5'-TATTTAAGGAAGACGTAGTGCTGAACATTTGTCCACAGTCTTTGCACTTGATTTGGGTTC[T>C]GCAATCAGCATGCATGCGCTTATGACGGCAAAGGTTTGAAAACTGAGTATAGGATTTATG-3'
Protein context (NP_004982.2, residues 392-412): CRHKRMHADC[Arg402Gly]TQIKCKDCGQ

ClinVar aggregate classification (germline): Uncertain significance (1 of 4 stars; one submission).

Conditions:
Inborn genetic diseases. Identifiers: MedGen C0950123, MeSH D030342.

Submission:

Ambry Genetics
Classification: Uncertain significance for Inborn genetic diseases. Last evaluated: 2024-11-23. Review status: criteria provided, single submitter. Criteria: Ambry Variant Classification Scheme 2023. Collection method: clinical testing. Allele origin: germline.
Comment: The p.R402G variant (also known as c.1204A>G), located in coding exon 8 of the MECOM gene, results from an A to G substitution at nucleotide position 1204. The arginine at codon 402 is replaced by glycine, an amino acid with dissimilar properties. This amino acid position is conserved. In addition, the in silico prediction for this alteration is inconclusive. Based on the available evidence, the clinical significance of this variant remains unclear.